The following is an entry in ClinVar:

ClinVar aggregate classification (germline): Likely benign. Review status: criteria provided, multiple submitters, no conflicts (2 of 4 stars). 2 submissions from 2 submitters: Likely benign (2). Last evaluated 2026-06-28.

Conditions:
IFT56-related disorder. Also called: IFT56-related condition.

gnomAD v4.1: 121 of 1,613,756 alleles (0.0075%); highest among the groups gnomAD compares: South Asian, 0.056%; no homozygotes.

Submissions (2):

PreventionGenetics, part of Exact Sciences
Classification: Likely benign for IFT56-related condition. Last evaluated: 2026-06-28. Review status: criteria provided, single submitter. Criteria: ACMG Guidelines, 2015. Collection method: clinical testing. Allele origin: germline.
Comment: This variant is classified as likely benign based on ACMG/AMP sequence variant interpretation guidelines (Richards et al. 2015 PMID: 25741868, with internal and published modifications).

Labcorp Genetics (formerly Invitae), Labcorp
Classification: Likely benign. Last evaluated: 2025-09-07. Review status: criteria provided, single submitter. Criteria: Invitae Variant Classification Sherloc (09022015). Collection method: clinical testing. Allele origin: germline.

NM_024926.4(IFT56):c.1236C>T (p.Gly412=)

Gene: IFT56 (intraflagellar transport 56; plus strand). Cytogenetic location: 7q34.
Variant type: single nucleotide variant.
Coding change: c.1236C>T on transcript NM_024926.4 (MANE Select); coding-DNA position 1236, C replaced by T.
Protein change: p.Gly412=; no amino-acid change (glycine 412 retained).
Molecular consequence: synonymous variant.
Genome position (GRCh38, 1-based): chr7:139,178,592, C>T. VCF-style: chr7-139178592-C-T. GRCh37 (hg19) VCF-style: chr7-138863338-C-T.
Other names: c.1236C>T, p.Gly412= (NM_001144920.3); c.1143C>T, p.Gly381= (NM_001144923.3); c.843C>T, p.Gly281= (NM_001287512.2); c.921C>T, p.Gly307= (NM_001287513.2); c.816C>T, p.Gly272= (NM_001318333.2); c.1206C>T, p.Gly402= (NM_001321740.2); c.918C>T, p.Gly306= (NM_001321741.2); c.1236C>T (NM_024926.3).
Identifiers: ClinVar variation 4782322 (VCV004782322.2).